The following is an entry in ClinVar:

NM_014384.3(ACAD8):c.422A>G (p.Gln141Arg)

Gene: ACAD8 (acyl-CoA dehydrogenase family member 8; plus strand). Cytogenetic location: 11q25.
Variant type: single nucleotide variant.
Coding change: c.422A>G on transcript NM_014384.3 (MANE Select); coding-DNA position 422, A replaced by G.
Protein change: p.Gln141Arg; replaces glutamine 141 with arginine.
Molecular consequence: missense variant.
Genome position (GRCh38, 1-based): chr11:134,258,556, A>G. VCF-style: chr11-134258556-A-G. GRCh37 (hg19) VCF-style: chr11-134128450-A-G.
Other names: short protein forms Q141R.
Identifiers: ClinVar variation 1396991 (VCV001396991.6), dbSNP rs2136078898, ClinGen allele CA383515335.
Genomic context (GRCh38, chr11:134,258,556, plus strand): 5'-TTCTTGGTGTACCTATCAGCATGTGTGCCTGGATGATTGATAGCTTCGGAAATGAGGAAC[A>G]GAGGCACAAATTTTGCCCACCGCTCTGTACCATGGAGAAGTTTGCTTCCTACTGCCTCAC-3'
Protein context (NP_055199.1, residues 131-151): WMIDSFGNEE[Gln141Arg]RHKFCPPLCT

ClinVar aggregate classification (germline): Uncertain significance (1 of 4 stars; one submission).

Conditions:
Deficiency of isobutyryl-CoA dehydrogenase. Also called: ACAD8 DEFICIENCY; IBD DEFICIENCY; ACYL-CoA DEHYDROGENASE FAMILY, MEMBER 8, DEFICIENCY OF. Identifiers: Orphanet 79159, MedGen C1969809, MONDO:0012648, OMIM 611283.

Allele frequency attached by ClinVar (database versions not stated): gnomAD exomes below 0.00001.
gnomAD v4.1: 1 of 1,614,024 alleles (0.000062%); highest among the groups gnomAD compares: Non-Finnish European, 0.000085%; no homozygotes.

Submission:

Labcorp Genetics (formerly Invitae), Labcorp
Classification: Uncertain significance for Deficiency of isobutyryl-CoA dehydrogenase. Last evaluated: 2022-08-16. Review status: criteria provided, single submitter. Criteria: Invitae Variant Classification Sherloc (09022015). Collection method: clinical testing. Allele origin: germline.
Comment: In summary, the available evidence is currently insufficient to determine the role of this variant in disease. Therefore, it has been classified as a Variant of Uncertain Significance. Advanced modeling of protein sequence and biophysical properties (such as structural, functional, and spatial information, amino acid conservation, physicochemical variation, residue mobility, and thermodynamic stability) performed at Invitae indicates that this missense variant is expected to disrupt ACAD8 protein function. ClinVar contains an entry for this variant (Variation ID: 1396991). This variant has not been reported in the literature in individuals affected with ACAD8-related conditions. This variant is not present in population databases (gnomAD no frequency). This sequence change replaces glutamine, which is neutral and polar, with arginine, which is basic and polar, at codon 141 of the ACAD8 protein (p.Gln141Arg).